The following is an entry in ClinVar:

ClinVar aggregate classification (germline): Uncertain significance. Review status: criteria provided, multiple submitters, no conflicts (2 of 4 stars). 9 submissions from 9 submitters: Uncertain significance (9). Last evaluated 2025-10-28.

Conditions:
Hereditary cancer-predisposing syndrome. Also called: Hereditary Cancer Syndrome; Neoplastic Syndromes, Hereditary; Hereditary neoplastic syndrome; Tumor predisposition. Identifiers: Orphanet 140162, MedGen C0027672, MeSH D009386, MONDO:0015356.
Familial cancer of breast. Also called: BREAST CANCER, FAMILIAL; Hereditary breast cancer; hereditary breast carcinoma. Identifiers: Orphanet 227535, MedGen C0346153, MONDO:0016419, OMIM 114480. Disease mechanism: loss of function.

Allele frequency attached by ClinVar (database versions not stated): gnomAD exomes below 0.00001.
gnomAD v4.1: 7 of 1,608,574 alleles (0.00044%); highest among the groups gnomAD compares: Non-Finnish European, 0.00059%; no homozygotes.

Submissions (9):

Labcorp Genetics (formerly Invitae), Labcorp
Classification: Uncertain significance for Familial cancer of breast. Last evaluated: 2025-10-28. Review status: criteria provided, single submitter. Criteria: Invitae Variant Classification Sherloc (09022015). Collection method: clinical testing. Allele origin: germline.
Comment: This sequence change replaces serine, which is neutral and polar, with tyrosine, which is neutral and polar, at codon 192 of the BARD1 protein (p.Ser192Tyr). This variant is present in population databases (rs587782482, gnomAD 0.0009%). This variant has not been reported in the literature in individuals affected with BARD1-related conditions. ClinVar contains an entry for this variant (Variation ID: 142467). An algorithm developed to predict the effect of missense changes on protein structure and function (PolyPhen-2) suggests that this variant is likely to be disruptive. In summary, the available evidence is currently insufficient to determine the role of this variant in disease. Therefore, it has been classified as a Variant of Uncertain Significance.

Center for Genomic Medicine, Rigshospitalet, Copenhagen University Hospital
Classification: Uncertain significance. Last evaluated: 2025-03-04. Review status: criteria provided, single submitter. Criteria: ACMG Guidelines, 2015. Collection method: clinical testing. Allele origin: germline.

Ambry Genetics
Classification: Uncertain significance for Hereditary cancer-predisposing syndrome. Last evaluated: 2024-10-12. Review status: criteria provided, single submitter. Criteria: Ambry Variant Classification Scheme 2023. Collection method: clinical testing. Allele origin: germline.
Comment: The p.S192Y variant (also known as c.575C>A), located in coding exon 4 of the BARD1 gene, results from a C to A substitution at nucleotide position 575. The serine at codon 192 is replaced by tyrosine, an amino acid with dissimilar properties. This amino acid position is not well conserved in available vertebrate species. In addition, this alteration is predicted to be tolerated by in silico analysis. Since supporting evidence is limited at this time, the clinical significance of this alteration remains unclear.

Color Diagnostics, LLC DBA Color Health
Classification: Uncertain significance for Hereditary cancer-predisposing syndrome. Last evaluated: 2024-09-16. Review status: criteria provided, single submitter. Criteria: ACMG Guidelines, 2015. Collection method: clinical testing. Allele origin: germline.
Comment: This missense variant replaces serine with tyrosine at codon 192 of the BARD1 protein. Computational prediction suggests that this variant may not impact protein structure and function. To our knowledge, functional studies have not been performed for this variant. In an international breast cancer case-control meta-analysis, this variant was detected in 1/60466 cases and 3/53461 unaffected controls (PMID: 33471991). This variant has been identified in 1/246104 chromosomes in the general population by the Genome Aggregation Database (gnomAD). The available evidence is insufficient to determine the role of this variant in disease conclusively. Therefore, this variant is classified as a Variant of Uncertain Significance.

GeneDx
Classification: Uncertain significance. Last evaluated: 2023-11-19. Review status: criteria provided, single submitter. Criteria: GeneDx Variant Classification Process June 2021. Collection method: clinical testing. Allele origin: germline. Affected: yes.
Comment: Not observed at significant frequency in large population cohorts (gnomAD); In silico analysis supports that this missense variant does not alter protein structure/function; Observed in both cases and controls in a study of breast cancer (PMID: 33471991); This variant is associated with the following publications: (PMID: 33471991)

Women's Health and Genetics/Laboratory Corporation of America, LabCorp
Classification: Uncertain significance. Last evaluated: 2022-07-01. Review status: criteria provided, single submitter. Criteria: LabCorp Variant Classification Summary - May 2015. Collection method: clinical testing. Allele origin: germline.

Sema4
Classification: Uncertain significance for Hereditary cancer-predisposing syndrome. Last evaluated: 2021-12-05. Review status: criteria provided, single submitter. Criteria: Sema4 Curation Guidelines. Collection method: curation. Allele origin: germline.
Comment: The BARD1 c.575C>A (p.S192Y) variant has been reported in at least one individual with breast cancer; however, it was also identified in unaffected controls (PMID: 33471991). It was observed in 1/112016 chromosomes of the Non-Finnish European subpopulation in the large and broad cohorts of the Genome Aggregation Database (PMID: 32461654). The variant has been reported in ClinVar (Variation ID: 142467). Functional studies have not been performed, and in silico predictions of the variant's effect on protein function are inconclusive. The evidence is insufficient to meet ACMG/AMP criteria for classifying the variant as benign or pathogenic. Thus, the clinical significance of this variant is currently uncertain.

Genetic Services Laboratory, University of Chicago
Classification: Uncertain significance. Last evaluated: 2021-08-09. Review status: criteria provided, single submitter. Criteria: ACMG Guidelines, 2015. Collection method: clinical testing. Allele origin: germline. Affected: no.
Comment: DNA sequence analysis of the BARD1 gene demonstrated a sequence change, c.575C>A, in exon 4 that results in an amino acid change, p.Ser192Tyr. This sequence change does not appear to have been previously described in patients with BARD1-related disorders. This sequence change has been described in the gnomAD database in one individual from the non-Finnish European sub population only (dbSNP rs587782482). The p.Ser192Tyr change affects a moderately conserved amino acid residue of the BARD1 protein. In-silico pathogenicity prediction tools (SIFT, PolyPhen2, Align GVGD, REVEL) provide contradictory results for the p.Ser192Tyr substitution. Due to these contrasting evidences and the lack of functional studies, the clinical significance of the p.Ser192Tyr change remains unknown at this time.

Fulgent Genetics
Classification: Uncertain significance for Familial cancer of breast. Last evaluated: 2018-10-31. Review status: criteria provided, single submitter. Criteria: ACMG Guidelines, 2015. Collection method: clinical testing. Allele origin: unknown.

Literature cited by the submitters: PubMed 33471991 (cited by Color Diagnostics, LLC DBA Color Health and Sema4).

NM_000465.4(BARD1):c.575C>A (p.Ser192Tyr)

Gene: BARD1 (BRCA1 associated RING domain 1; minus strand). Cytogenetic location: 2q35.
Variant type: single nucleotide variant.
Coding change: c.575C>A on transcript NM_000465.4 (MANE Select); coding-DNA position 575, C replaced by A.
Protein change: p.Ser192Tyr; replaces serine 192 with tyrosine.
Molecular consequence: missense variant. On other transcripts: non-coding transcript variant (2), intron variant (3).
Genome position (GRCh38, 1-based): chr2:214,781,299, G>T on the plus strand (C>A on the coding strand, the complement: BARD1 is on the minus strand). VCF-style: chr2-214781299-G-T. GRCh37 (hg19) VCF-style: chr2-215646023-G-T.
Other names: c.518C>A, p.Ser173Tyr (NM_001282543.2); c.158+28113C>A (NM_001282548.2); c.215+15762C>A (NM_001282545.2); c.364+10998C>A (NM_001282549.2); short protein forms S192Y, S173Y.
Identifiers: ClinVar variation 142467 (VCV000142467.31), dbSNP rs587782482, ClinGen allele CA168435.
Genomic context (GRCh38, chr2:214,781,299, plus strand): 5'-GCTAAAGTTTTCTTTTTTTGCTTTTTTCCAGATCTTGCAGAAGCCTTTTTAGCCCTCTCA[G>T]AAACATCTGCAGGAGGACTTGGGGAAACAAATTCATATGAGTCTTGCTGAGCACTTGCAT-3'
Protein context (NP_000456.2, residues 182-202): FVSPSPPADV[Ser192Tyr]ERAKKASARS